The following is an entry in ClinVar:

NM_001365536.1(SCN9A):c.5389A>C (p.Ile1797Leu)

Genes: SCN1A-AS1 (SCN1A and SCN9A antisense RNA 1; plus strand), SCN9A (sodium voltage-gated channel alpha subunit 9; minus strand). Cytogenetic location: 2q24.3.
Variant type: single nucleotide variant.
Coding change: c.5389A>C on transcript NM_001365536.1 (MANE Select); coding-DNA position 5389, A replaced by C.
Protein change: p.Ile1797Leu; replaces isoleucine 1797 with leucine.
Molecular consequence: missense variant.
Genome position (GRCh38, 1-based): chr2:166,199,250, T>G on the plus strand (A>C on the coding strand, the complement: SCN9A is on the minus strand). VCF-style: chr2-166199250-T-G. GRCh37 (hg19) VCF-style: chr2-167055760-T-G.
Other names: c.5356A>C, p.Ile1786Leu (NM_002977.4); short protein forms I1786L, I1797L.
Identifiers: ClinVar variation 1404812 (VCV001404812.8), dbSNP rs1693359115, ClinGen allele CA349053100.

ClinVar aggregate classification (germline): Uncertain significance (1 of 4 stars; one submission).

Conditions:
Neuropathy, hereditary sensory and autonomic, type 2A (HSAN2A). Also called: WNK1-Related HSAN2 (HSAN2A); MORVAN DISEASE; NEUROPATHY, CONGENITAL SENSORY; NEUROPATHY, HEREDITARY SENSORY RADICULAR, AUTOSOMAL RECESSIVE; NEUROPATHY, HEREDITARY SENSORY, TYPE IIA; NEUROPATHY, PROGRESSIVE SENSORY, OF CHILDREN. Identifiers: Orphanet 970, MedGen C2752089, MONDO:0024309, OMIM 201300.
Generalized epilepsy with febrile seizures plus, type 7 (GEFSP7). Also called: GEFS+, TYPE 7. Identifiers: Orphanet 36387, MedGen C2751778, MONDO:0013470, OMIM 613863.

Submission:

Labcorp Genetics (formerly Invitae), Labcorp
Classification: Uncertain significance for Neuropathy, hereditary sensory and autonomic, type 2A; Generalized epilepsy with febrile seizures plus, type 7. Last evaluated: 2021-01-21. Review status: criteria provided, single submitter. Criteria: Invitae Variant Classification Sherloc (09022015). Collection method: clinical testing. Allele origin: germline.
Comment: This sequence change replaces isoleucine with leucine at codon 1786 of the SCN9A protein (p.Ile1786Leu). The isoleucine residue is highly conserved and there is a small physicochemical difference between isoleucine and leucine. This variant is not present in population databases (ExAC no frequency). This variant has not been reported in the literature in individuals with SCN9A-related conditions. Algorithms developed to predict the effect of missense changes on protein structure and function are either unavailable or do not agree on the potential impact of this missense change (SIFT: "Tolerated"; PolyPhen-2: "Possibly Damaging"; Align-GVGD: "Class C0"). In summary, the available evidence is currently insufficient to determine the role of this variant in disease. Therefore, it has been classified as a Variant of Uncertain Significance.